The following is an entry in ClinVar:

ClinVar aggregate classification (germline): Likely benign (1 of 4 stars; one submission).

Conditions:
SEMA3C-related disorder. Also called: SEMA3C-related condition.

Submission:

PreventionGenetics, part of Exact Sciences
Classification: Likely benign for SEMA3C-related condition. Last evaluated: 2024-10-04. Review status: criteria provided, single submitter. Criteria: ACMG Guidelines, 2015. Collection method: clinical testing. Allele origin: germline.
Comment: This variant is classified as likely benign based on ACMG/AMP sequence variant interpretation guidelines (Richards et al. 2015 PMID: 25741868, with internal and published modifications).

NM_006379.5(SEMA3C):c.659-4C>A

Gene: SEMA3C (semaphorin 3C; minus strand). Cytogenetic location: 7q21.11.
Variant type: single nucleotide variant.
Coding change: c.659-4C>A on transcript NM_006379.5 (MANE Select); 4 bases into the intron before coding-DNA position 659, C replaced by A.
Molecular consequence: intron variant.
Genome position (GRCh38, 1-based): chr7:80,804,252, G>T on the plus strand (C>A on the coding strand, the complement: SEMA3C is on the minus strand). VCF-style: chr7-80804252-G-T. GRCh37 (hg19) VCF-style: chr7-80433568-G-T.
Other names: c.713-4C>A (NM_001350120.2); c.485-4C>A (NM_001350121.2).
Identifiers: ClinVar variation 4997359 (VCV004997359.1).